The following is an entry in ClinVar:

ClinVar aggregate classification (germline): Uncertain significance (1 of 4 stars; one submission).

Submission:

GeneDx
Classification: Uncertain significance. Last evaluated: 2023-10-19. Review status: criteria provided, single submitter. Criteria: GeneDx Variant Classification Process June 2021. Collection method: clinical testing. Allele origin: germline. Affected: yes.
Comment: Not observed at significant frequency in large population cohorts (gnomAD); In silico analysis supports that this missense variant has a deleterious effect on protein structure/function; Has not been previously published as pathogenic or benign to our knowledge

NM_021224.6(ZNF462):c.6346C>G (p.Arg2116Gly)

Gene: ZNF462 (zinc finger protein 462; plus strand). Cytogenetic location: 9q31.2.
Variant type: single nucleotide variant.
Coding change: c.6346C>G on transcript NM_021224.6 (MANE Select); coding-DNA position 6346, C replaced by G.
Protein change: p.Arg2116Gly; replaces arginine 2116 with glycine.
Molecular consequence: missense variant.
Genome position (GRCh38, 1-based): chr9:106,939,026, C>G. VCF-style: chr9-106939026-C-G. GRCh37 (hg19) VCF-style: chr9-109701307-C-G.
Other names: c.3751C>G, p.Arg1251Gly (NM_001347997.2); short protein forms R1251G, R2116G.
Identifiers: ClinVar variation 3366085 (VCV003366085.1).